The following is an entry in ClinVar:

NM_004656.4(BAP1):c.1278_1281dup (p.Ala428fs)

Gene: BAP1 (BRCA1 associated deubiquitinase 1; minus strand). Cytogenetic location: 3p21.1.
Variant type: Duplication.
Coding change: c.1278_1281dup on transcript NM_004656.4 (MANE Select); coding-DNA positions 1278 to 1281, 4 bases duplicated (AGGG; older notation c.1278_1281dupAGGG).
Protein change: p.Ala428fs; shifts the reading frame from alanine 428.
Molecular consequence: frameshift variant.
Genome position (GRCh38, 1-based): chr3:52,403,864-52,403,867, CCCT duplicated on the plus strand (AGGG on the coding strand, the reverse complement: BAP1 is on the minus strand). VCF-style (leftmost placement, unchanged base first): chr3-52403863-C-CCCCT. GRCh37 (hg19) VCF-style: chr3-52437879-C-CCCCT.
Other names: c.1224_1227dup, p.Ala410fs (NM_001410772.1); short protein forms A410fs, A428fs.
Identifiers: ClinVar variation 4812999 (VCV004812999.1).

ClinVar aggregate classification (germline): Pathogenic (1 of 4 stars; one submission).

Conditions:
BAP1-related tumor predisposition syndrome (TPDS1). Also called: BAP1 tumor predisposition syndrome; TUMOR PREDISPOSITION SYNDROME 1; COMMON Syndrome; Tumor susceptibility linked to germline BAP1 mutations. Identifiers: Orphanet 289539, MedGen C3280492, MONDO:0013692, OMIM 614327.

Submission:

Myriad Genetics, Inc.
Classification: Pathogenic for BAP1-related tumor predisposition syndrome. Last evaluated: 2025-11-26. Review status: criteria provided, single submitter. Criteria: Myriad Autosomal Dominant, Autosomal Recessive and X-Linked Classification Criteria (2023). Collection method: clinical testing. Allele origin: unknown.
Comment: This variant is considered pathogenic. This variant creates a frameshift predicted to result in premature protein truncation.